The following is an entry in ClinVar:

NM_032888.4(COL27A1):c.5545C>A (p.Gln1849Lys)

Gene: COL27A1 (collagen type XXVII alpha 1 chain; plus strand). Cytogenetic location: 9q32.
Variant type: single nucleotide variant.
Coding change: c.5545C>A on transcript NM_032888.4 (MANE Select); coding-DNA position 5545, C replaced by A.
Protein change: p.Gln1849Lys; replaces glutamine 1849 with lysine.
Molecular consequence: missense variant.
Genome position (GRCh38, 1-based): chr9:114,310,657, C>A. VCF-style: chr9-114310657-C-A. GRCh37 (hg19) VCF-style: chr9-117072937-C-A.
Other names: short protein forms Q1849K.
Identifiers: ClinVar variation 2051208 (VCV002051208.4), dbSNP rs545827667, ClinGen allele CA374598036.
Genomic context (GRCh38, chr9:114,310,657, plus strand): 5'-GACCCCCAACAGCTGCCCATCATCAGTGTGGACAACCTCCCTCCTGCCTCATCAGGGAAG[C>A]AGTACCGCCTGGAAGTTGGACCTGCGTGCTTCCTCTGACCTCTGACCTCGTGGCCACTCT-3'
Protein context (NP_116277.2, residues 1839-1859): DNLPPASSGK[Gln1849Lys]YRLEVGPACF

ClinVar aggregate classification (germline): Uncertain significance (1 of 4 stars; one submission).

Submission:

Labcorp Genetics (formerly Invitae), Labcorp
Classification: Uncertain significance. Last evaluated: 2022-08-31. Review status: criteria provided, single submitter. Criteria: Invitae Variant Classification Sherloc (09022015). Collection method: clinical testing. Allele origin: germline.
Comment: Advanced modeling of protein sequence and biophysical properties (such as structural, functional, and spatial information, amino acid conservation, physicochemical variation, residue mobility, and thermodynamic stability) performed at Invitae indicates that this missense variant is not expected to disrupt COL27A1 protein function. This variant has not been reported in the literature in individuals affected with COL27A1-related conditions. This variant is not present in population databases (gnomAD no frequency). This sequence change replaces glutamine, which is neutral and polar, with lysine, which is basic and polar, at codon 1849 of the COL27A1 protein (p.Gln1849Lys). In summary, the available evidence is currently insufficient to determine the role of this variant in disease. Therefore, it has been classified as a Variant of Uncertain Significance.